The following is an entry in ClinVar:

NM_001368397.1(FRMPD4):c.5022G>A (p.Met1674Ile)

Gene: FRMPD4 (FERM and PDZ domain containing 4; plus strand). Cytogenetic location: Xp22.2.
Variant type: single nucleotide variant.
Coding change: c.5022G>A on transcript NM_001368397.1 (MANE Select); coding-DNA position 5022, G replaced by A.
Protein change: p.Met1674Ile; replaces methionine 1674 with isoleucine.
Molecular consequence: missense variant. On other transcripts: 3 prime UTR variant (6).
Genome position (GRCh38, 1-based): chrX:12,721,591, G>A. VCF-style: chrX-12721591-G-A. GRCh37 (hg19) VCF-style: chrX-12739710-G-A.
Other names: c.5133G>A, p.Met1711Ile (NM_001368395.3); c.5028G>A, p.Met1676Ile (NM_001368396.3); c.*1058G>A (NM_001368398.3, NM_001368399.3, NM_001368400.3 and 3 more transcripts); short protein forms M1674I, M1676I, M1711I.
Identifiers: ClinVar variation 1334660 (VCV001334660.4), dbSNP rs1260187604, ClinGen allele CA871208870.

ClinVar aggregate classification (germline): Uncertain significance (1 of 4 stars; one submission).

Allele frequency attached by ClinVar (database versions not stated): TOPMed 0.00001.

Submission:

Greenwood Genetic Center Diagnostic Laboratories, Greenwood Genetic Center
Classification: Uncertain significance. Last evaluated: 2021-11-16. Review status: criteria provided, single submitter. Criteria: ACMG Guidelines, 2015. Collection method: clinical testing. Allele origin: germline. Affected: yes.
Comment: PM2